The following is an entry in ClinVar:

ClinVar aggregate classification (germline): Uncertain significance (1 of 4 stars; one submission).

Conditions:
Hypertrophic cardiomyopathy. Also called: HYPERTROPHIC MYOCARDIOPATHY. Identifiers: Orphanet 217569, MedGen C0007194, MeSH D002312, MONDO:0005045, HP:0001639.

gnomAD v4.1: 2 of 1,613,946 alleles (0.00012%); highest among the groups gnomAD compares: Admixed American, 0.0017%; no homozygotes.

Submission:

Labcorp Genetics (formerly Invitae), Labcorp
Classification: Uncertain significance for Hypertrophic cardiomyopathy. Last evaluated: 2024-09-02. Review status: criteria provided, single submitter. Criteria: Invitae Variant Classification Sherloc (09022015). Collection method: clinical testing. Allele origin: germline.
Comment: This sequence change replaces isoleucine, which is neutral and non-polar, with threonine, which is neutral and polar, at codon 74 of the JPH2 protein (p.Ile74Thr). This variant is not present in population databases (gnomAD no frequency). This variant has not been reported in the literature in individuals affected with JPH2-related conditions. An algorithm developed to predict the effect of missense changes on protein structure and function (PolyPhen-2) suggests that this variant is likely to be tolerated. In summary, the available evidence is currently insufficient to determine the role of this variant in disease. Therefore, it has been classified as a Variant of Uncertain Significance.

NM_020433.5(JPH2):c.221T>C (p.Ile74Thr)

Gene: JPH2 (junctophilin 2; minus strand). Cytogenetic location: 20q13.12.
Variant type: single nucleotide variant.
Coding change: c.221T>C on transcript NM_020433.5 (MANE Select); coding-DNA position 221, T replaced by C.
Protein change: p.Ile74Thr; replaces isoleucine 74 with threonine.
Molecular consequence: missense variant.
Genome position (GRCh38, 1-based): chr20:44,186,485, A>G on the plus strand (T>C on the coding strand, the complement: JPH2 is on the minus strand). VCF-style: chr20-44186485-A-G. GRCh37 (hg19) VCF-style: chr20-42815125-A-G.
Other names: c.221T>C, p.Ile74Thr (NM_175913.4); short protein forms I74T.
Identifiers: ClinVar variation 3695957 (VCV003695957.2).